The following is an entry in ClinVar:

ClinVar aggregate classification (germline): Uncertain significance (1 of 4 stars; one submission).

Allele frequency attached by ClinVar (database versions not stated): TOPMed below 0.00001.
gnomAD v4.1: 18 of 1,614,058 alleles (0.0011%); highest among the groups gnomAD compares: Non-Finnish European, 0.0015%; no homozygotes.

Submission:

Labcorp Genetics (formerly Invitae), Labcorp
Classification: Uncertain significance. Last evaluated: 2021-07-08. Review status: criteria provided, single submitter. Criteria: Invitae Variant Classification Sherloc (09022015). Collection method: clinical testing. Allele origin: germline.
Comment: This sequence change replaces threonine with serine at codon 991 of the ADGRA3 protein (p.Thr991Ser). The threonine residue is moderately conserved and there is a small physicochemical difference between threonine and serine. This variant is not present in population databases (ExAC no frequency). This variant has not been reported in the literature in individuals affected with ADGRA3-related conditions. Algorithms developed to predict the effect of missense changes on protein structure and function output the following: SIFT: "Tolerated"; PolyPhen-2: "Benign"; Align-GVGD: "Class C0". The serine amino acid residue is found in multiple mammalian species, which suggests that this missense change does not adversely affect protein function. In summary, the available evidence is currently insufficient to determine the role of this variant in disease. Therefore, it has been classified as a Variant of Uncertain Significance.

NM_145290.4(ADGRA3):c.2972C>G (p.Thr991Ser)

Gene: ADGRA3 (adhesion G protein-coupled receptor A3; minus strand). Cytogenetic location: 4p15.2.
Variant type: single nucleotide variant.
Coding change: c.2972C>G on transcript NM_145290.4 (MANE Select); coding-DNA position 2972, C replaced by G.
Protein change: p.Thr991Ser; replaces threonine 991 with serine.
Molecular consequence: missense variant.
Genome position (GRCh38, 1-based): chr4:22,388,699, G>C on the plus strand (C>G on the coding strand, the complement: ADGRA3 is on the minus strand). VCF-style: chr4-22388699-G-C. GRCh37 (hg19) VCF-style: chr4-22390322-G-C.
Other names: short protein forms T991S.
Identifiers: ClinVar variation 1498267 (VCV001498267.8), dbSNP rs1713961631, ClinGen allele CA356474405.